The following is an entry in ClinVar:

ClinVar aggregate classification (germline): Uncertain significance. Review status: criteria provided, multiple submitters, no conflicts (2 of 4 stars). 2 submissions from 2 submitters: Uncertain significance (2). Last evaluated 2024-10-09.

Allele frequency attached by ClinVar (database versions not stated): ExAC 0.00002; TOPMed 0.00005; gnomAD exomes 0.00006; gnomAD 0.00008.

Submissions (2):

Ambry Genetics
Classification: Uncertain significance. Last evaluated: 2024-10-09. Review status: criteria provided, single submitter. Criteria: Ambry Variant Classification Scheme 2023. Collection method: clinical testing. Allele origin: germline.

Labcorp Genetics (formerly Invitae), Labcorp
Classification: Uncertain significance. Last evaluated: 2023-11-30. Review status: criteria provided, single submitter. Criteria: Invitae Variant Classification Sherloc (09022015). Collection method: clinical testing. Allele origin: germline.
Comment: This sequence change replaces asparagine, which is neutral and polar, with aspartic acid, which is acidic and polar, at codon 440 of the TMPRSS15 protein (p.Asn440Asp). This variant is present in population databases (rs752063923, gnomAD 0.007%). This variant has not been reported in the literature in individuals affected with TMPRSS15-related conditions. ClinVar contains an entry for this variant (Variation ID: 2084148). An algorithm developed to predict the effect of missense changes on protein structure and function (PolyPhen-2) suggests that this variant¬†is likely to be tolerated. In summary, the available evidence is currently insufficient to determine the role of this variant in disease. Therefore, it has been classified as a Variant of Uncertain Significance.

NM_002772.3(TMPRSS15):c.1318A>G (p.Asn440Asp)

Gene: TMPRSS15 (transmembrane serine protease 15; minus strand). Cytogenetic location: 21q21.1.
Variant type: single nucleotide variant.
Coding change: c.1318A>G on transcript NM_002772.3 (MANE Select); coding-DNA position 1318, A replaced by G.
Protein change: p.Asn440Asp; replaces asparagine 440 with aspartic acid.
Molecular consequence: missense variant.
Genome position (GRCh38, 1-based): chr21:18,343,616, T>C on the plus strand (A>G on the coding strand, the complement: TMPRSS15 is on the minus strand). VCF-style: chr21-18343616-T-C. GRCh37 (hg19) VCF-style: chr21-19715933-T-C.
Other names: short protein forms N440D.
Identifiers: ClinVar variation 2084148 (VCV002084148.4), dbSNP rs752063923, ClinGen allele CA9984465.